The following is an entry in ClinVar:

ClinVar aggregate classification (germline): Uncertain significance (1 of 4 stars; one submission).

Conditions:
Long QT syndrome (LQTS). Identifiers: MedGen C0023976, MeSH D008133, MONDO:0002442. Disease mechanism: loss of function. Inheritance: Various modes of inheritance.

Submission:

All of Us Research Program, National Institutes of Health
Classification: Uncertain significance for Long QT syndrome. Last evaluated: 2023-11-30. Review status: criteria provided, single submitter. Criteria: ACMG Guidelines, 2015. Collection method: clinical testing. Allele origin: germline. Inheritance: Autosomal dominant inheritance. Observed: 1 variant allele, 1 heterozygote.
Comment: This study involves interpretation of variants in research participants for the purpose of population health screening. Participant phenotype was not available at the time of variant classification. Additional details can be found in publication PMID: 35346344, PMCID: PMC8962531

NM_000238.4(KCNH2):c.437A>G (p.Asn146Ser)

Gene: KCNH2 (potassium voltage-gated channel subfamily H member 2; minus strand). Cytogenetic location: 7q36.1.
Variant type: single nucleotide variant.
Coding change: c.437A>G on transcript NM_000238.4 (MANE Select); coding-DNA position 437, A replaced by G.
Protein change: p.Asn146Ser; replaces asparagine 146 with serine.
Molecular consequence: missense variant. On other transcripts: non-coding transcript variant (1).
Genome position (GRCh38, 1-based): chr7:150,959,607, T>C on the plus strand (A>G on the coding strand, the complement: KCNH2 is on the minus strand). VCF-style: chr7-150959607-T-C. GRCh37 (hg19) VCF-style: chr7-150656695-T-C.
Other names: c.149A>G, p.Asn50Ser (NM_001406753.1, NM_001406756.1); c.260A>G, p.Asn87Ser (NM_001406755.1); c.137A>G, p.Asn46Ser (NM_001406757.1); c.437A>G, p.Asn146Ser (NM_172056.3); short protein forms N146S, N46S, N50S, N87S.
Identifiers: ClinVar variation 3074002 (VCV003074002.1), dbSNP rs2486100324, ClinGen allele CA369863654.